The following is an entry in ClinVar:

NM_001242896.3(DEPDC5):c.239_245dup (p.Tyr82Ter)

Gene: DEPDC5 (DEP domain containing 5, GATOR1 subcomplex subunit; plus strand). Cytogenetic location: 22q12.2.
Variant type: Duplication.
Coding change: c.239_245dup on transcript NM_001242896.3 (MANE Select); coding-DNA positions 239 to 245, 7 bases duplicated (GACCTTA; older notation c.239_245dupGACCTTA).
Protein change: p.Tyr82Ter; replaces tyrosine 82 with a stop codon.
Molecular consequence: nonsense. On other transcripts: non-coding transcript variant (5).
Genome position (GRCh38, 1-based): chr22:31,765,020-31,765,026, GACCTTA duplicated; duplicating any 7 consecutive bases within chr22:31,765,019-31,765,026 gives the same sequence; the c. name uses the placement nearest the transcript's 3' end. VCF-style (leftmost placement, unchanged base first): chr22-31765018-G-GAGACCTT. GRCh37 (hg19) VCF-style: chr22-32161004-G-GAGACCTT.
Other names: c.239_245dup, p.Tyr82Ter (NM_001007188.4, NM_001136029.4, NM_001242897.2 and 9 more transcripts); short protein forms Y82*.
Identifiers: ClinVar variation 2023825 (VCV002023825.4), dbSNP rs2517906263, ClinGen allele CA2580099609.
Genomic context (GRCh38, chr22:31,765,018, plus strand): 5'-TATTGTTTCTGTTTTAGAAACTATCAGTGTGGACCAGACTGTGACTCAAGTGTTCCGGCT[G>GAGACCTT]AGACCTTATCAGGATGTCTATGTTAATGTCGTAGACCCTAAGGTATGTCTTTGTTTTGTA-3'

ClinVar aggregate classification (germline): Pathogenic (1 of 4 stars; one submission).

Conditions:
Familial focal epilepsy with variable foci (FPEVF). Identifiers: Orphanet 98820, MedGen C1858477, MONDO:0020310.

Submission:

Labcorp Genetics (formerly Invitae), Labcorp
Classification: Pathogenic for Familial focal epilepsy with variable foci. Last evaluated: 2022-08-12. Review status: criteria provided, single submitter. Criteria: Invitae Variant Classification Sherloc (09022015). Collection method: clinical testing. Allele origin: germline.
Comment: For these reasons, this variant has been classified as Pathogenic. This variant has not been reported in the literature in individuals affected with DEPDC5-related conditions. This variant is not present in population databases (gnomAD no frequency). This sequence change creates a premature translational stop signal (p.Tyr82*) in the DEPDC5 gene. It is expected to result in an absent or disrupted protein product. Loss-of-function variants in DEPDC5 are known to be pathogenic (PMID: 23542697, 23542701).

Literature cited by the submitters: PubMed 23542697; PubMed 23542701.